The following is an entry in ClinVar:

NM_000245.4(MET):c.788C>T (p.Thr263Met)

Gene: MET (MET proto-oncogene, receptor tyrosine kinase; plus strand). Cytogenetic location: 7q31.2.
Variant type: single nucleotide variant.
Coding change: c.788C>T on transcript NM_000245.4 (MANE Select); coding-DNA position 788, C replaced by T.
Protein change: p.Thr263Met; replaces threonine 263 with methionine.
Molecular consequence: missense variant. On other transcripts: intron variant (1).
Genome position (GRCh38, 1-based): chr7:116,699,872, C>T. VCF-style: chr7-116699872-C-T. GRCh37 (hg19) VCF-style: chr7-116339926-C-T.
Other names: c.788C>T, p.Thr263Met (NM_001127500.3, NM_001324401.3); c.-91+27295C>T (NM_001324402.2); short protein forms T263M.
Identifiers: ClinVar variation 485747 (VCV000485747.23), dbSNP rs764052874, ClinGen allele CA4448029.

ClinVar aggregate classification (germline): Uncertain significance. Review status: criteria provided, multiple submitters, no conflicts (2 of 4 stars). 6 submissions from 6 submitters: Uncertain significance (6). Last evaluated 2025-12-24.

Conditions:
Hereditary cancer-predisposing syndrome. Also called: Tumor predisposition; Hereditary Cancer Syndrome; Neoplastic Syndromes, Hereditary; Hereditary neoplastic syndrome. Identifiers: Orphanet 140162, MedGen C0027672, MeSH D009386, MONDO:0015356.
Renal cell carcinoma. Identifiers: Orphanet 217071, MedGen C0007134, MeSH D002292, MONDO:0005086, HP:0005584.
Autosomal recessive nonsyndromic hearing loss 97. Also called: Deafness, autosomal recessive 97. Identifiers: Orphanet 90636, MedGen C4084709, MONDO:0014739, OMIM 616705.
Papillary renal cell carcinoma type 1 (RCCP1). Also called: Renal adenocarcinoma; Renal cell carcinoma 1; Renal cell carcinoma, somatic; RENAL CELL CARCINOMA, PAPILLARY, 1, SOMATIC. Identifiers: Orphanet 47044, MedGen C1336839, OMIM 605074, HP:0011797.

Allele frequency attached by ClinVar (database versions not stated): gnomAD exomes 0.00001 and 0.00002; TOPMed 0.00001; ExAC 0.00002; gnomAD 0.00003.
gnomAD v4.1: 41 of 1,613,940 alleles (0.0025%); highest among the groups gnomAD compares: Non-Finnish European, 0.0029%; no homozygotes.

Submissions (6):

Labcorp Genetics (formerly Invitae), Labcorp
Classification: Uncertain significance for Renal cell carcinoma. Last evaluated: 2025-12-24. Review status: criteria provided, single submitter. Criteria: Invitae Variant Classification Sherloc (09022015). Collection method: clinical testing. Allele origin: germline.
Comment: This sequence change replaces threonine, which is neutral and polar, with methionine, which is neutral and non-polar, at codon 263 of the MET protein (p.Thr263Met). This variant is present in population databases (rs764052874, gnomAD 0.005%). This variant has not been reported in the literature in individuals affected with MET-related conditions. ClinVar contains an entry for this variant (Variation ID: 485747). Invitae Evidence Modeling of protein sequence and biophysical properties (such as structural, functional, and spatial information, amino acid conservation, physicochemical variation, residue mobility, and thermodynamic stability) has been performed for this missense variant. However, the output from this modeling did not meet the statistical confidence thresholds required to predict the impact of this variant on MET protein function. In summary, the available evidence is currently insufficient to determine the role of this variant in disease. Therefore, it has been classified as a Variant of Uncertain Significance.

Ambry Genetics
Classification: Uncertain significance for Hereditary cancer-predisposing syndrome. Last evaluated: 2025-06-27. Review status: criteria provided, single submitter. Criteria: Ambry Variant Classification Scheme 2023. Collection method: clinical testing. Allele origin: germline.
Comment: The p.T263M variant (also known as c.788C>T), located in coding exon 1 of the MET gene, results from a C to T substitution at nucleotide position 788. The threonine at codon 263 is replaced by methionine, an amino acid with similar properties. This amino acid position is highly conserved in available vertebrate species. In addition, the in silico prediction for this alteration is inconclusive. Based on the available evidence, the clinical significance of this variant remains unclear.

GeneDx
Classification: Uncertain significance. Last evaluated: 2024-05-05. Review status: criteria provided, single submitter. Criteria: GeneDx Variant Classification Process June 2021. Collection method: clinical testing. Allele origin: germline.
Comment: Not observed at significant frequency in large population cohorts (gnomAD); In silico analysis supports that this missense variant has a deleterious effect on protein structure/function; Has not been previously published as pathogenic or benign to our knowledge

Blueprint Genetics
Classification: Uncertain significance. Last evaluated: 2024-02-27. Review status: criteria provided, single submitter. Criteria: ACMG Guidelines, 2015. Collection method: clinical testing. Allele origin: germline.

Baylor Genetics
Classification: Uncertain significance for Autosomal recessive nonsyndromic hearing loss 97. Last evaluated: 2023-09-20. Review status: criteria provided, single submitter. Criteria: ACMG Guidelines, 2015. Collection method: clinical testing. Allele origin: unknown.

Illumina Laboratory Services, Illumina
Classification: Uncertain significance for Papillary renal cell carcinoma type 1. Last evaluated: 2018-01-13. Review status: criteria provided, single submitter. Criteria: ICSL Variant Classification Criteria 13 December 2019. Collection method: clinical testing. Allele origin: germline.